The following is an entry in ClinVar:

NM_001572.5(IRF7):c.1394C>T (p.Thr465Met)

Gene: IRF7 (interferon regulatory factor 7; minus strand). Cytogenetic location: 11p15.5.
Variant type: single nucleotide variant.
Coding change: c.1394C>T on transcript NM_001572.5 (MANE Select); coding-DNA position 1394, C replaced by T.
Protein change: p.Thr465Met; replaces threonine 465 with methionine.
Molecular consequence: missense variant.
Genome position (GRCh38, 1-based): chr11:612,763, G>A on the plus strand (C>T on the coding strand, the complement: IRF7 is on the minus strand). VCF-style: chr11-612763-G-A. GRCh37 (hg19) VCF-style: chr11-612763-G-A.
Other names: c.1307C>T, p.Thr436Met (NM_004029.4); c.1433C>T, p.Thr478Met (NM_004031.4); c.1433C>T (NM_004031.2); short protein forms T465M, T436M, T478M.
Identifiers: ClinVar variation 1483208 (VCV001483208.9), dbSNP rs779790369, ClinGen allele CA5783452.

ClinVar aggregate classification (germline): Uncertain significance. Review status: criteria provided, multiple submitters, no conflicts (2 of 4 stars). 2 submissions from 2 submitters: Uncertain significance (2). Last evaluated 2026-01-26.

Conditions:
Immunodeficiency 39 (IMD39). Identifiers: Orphanet 574918, MedGen C4225358, MONDO:0014597, OMIM 616345.

Allele frequency attached by ClinVar (database versions not stated): gnomAD 0.00001; gnomAD exomes 0.00002; TOPMed 0.00002; ExAC 0.00004.
gnomAD v4.1: 37 of 1,611,772 alleles (0.0023%); highest among the groups gnomAD compares: Non-Finnish European, 0.0025%; no homozygotes.

Submissions (2):

Labcorp Genetics (formerly Invitae), Labcorp
Classification: Uncertain significance for Immunodeficiency 39. Last evaluated: 2026-01-26. Review status: criteria provided, single submitter. Criteria: Invitae Variant Classification Sherloc (09022015). Collection method: clinical testing. Allele origin: germline.
Comment: This sequence change replaces threonine, which is neutral and polar, with methionine, which is neutral and non-polar, at codon 478 of the IRF7 protein (p.Thr478Met). This variant is present in population databases (rs779790369, gnomAD 0.006%). This variant has not been reported in the literature in individuals affected with IRF7-related conditions. ClinVar contains an entry for this variant (Variation ID: 1483208). Invitae Evidence Modeling of protein sequence and biophysical properties (such as structural, functional, and spatial information, amino acid conservation, physicochemical variation, residue mobility, and thermodynamic stability) indicates that this missense variant is not expected to disrupt IRF7 protein function with a negative predictive value of 80%. In summary, the available evidence is currently insufficient to determine the role of this variant in disease. Therefore, it has been classified as a Variant of Uncertain Significance.

Ambry Genetics
Classification: Uncertain significance. Last evaluated: 2025-01-09. Review status: criteria provided, single submitter. Criteria: Ambry Variant Classification Scheme 2023. Collection method: clinical testing. Allele origin: germline.